The following is an entry in ClinVar:

ClinVar aggregate classification (germline): Uncertain significance (1 of 4 stars; one submission).

Conditions:
Mitochondrial complex II deficiency, nuclear type 1. Also called: SUCCINATE CoQ REDUCTASE DEFICIENCY. Identifiers: Orphanet 3208, MedGen C5700310, MONDO:0100294, OMIM 252011.
Pheochromocytoma/paraganglioma syndrome 5. Also called: SDHA-Related Hereditary Paraganglioma-Pheochromocytoma Syndrome; Paragangliomas 5. Identifiers: Orphanet 29072, MedGen C3279992, MONDO:0013602, OMIM 614165.

Submission:

Labcorp Genetics (formerly Invitae), Labcorp
Classification: Uncertain significance for Pheochromocytoma/paraganglioma syndrome 5; Mitochondrial complex II deficiency, nuclear type 1. Last evaluated: 2022-12-23. Review status: criteria provided, single submitter. Criteria: Invitae Variant Classification Sherloc (09022015). Collection method: clinical testing. Allele origin: germline.
Comment: ClinVar contains an entry for this variant (Variation ID: 412395). In summary, the available evidence is currently insufficient to determine the role of this variant in disease. Therefore, it has been classified as a Variant of Uncertain Significance. Advanced modeling of protein sequence and biophysical properties (such as structural, functional, and spatial information, amino acid conservation, physicochemical variation, residue mobility, and thermodynamic stability) performed at Invitae indicates that this missense variant is not expected to disrupt SDHA protein function. This variant has not been reported in the literature in individuals affected with SDHA-related conditions. This variant is not present in population databases (gnomAD no frequency). This sequence change replaces asparagine, which is neutral and polar, with serine, which is neutral and polar, at codon 426 of the SDHA protein (p.Asn426Ser).

NM_004168.4(SDHA):c.1277A>G (p.Asn426Ser)

Gene: SDHA (succinate dehydrogenase complex flavoprotein subunit A; plus strand). Cytogenetic location: 5p15.33.
Variant type: single nucleotide variant.
Coding change: c.1277A>G on transcript NM_004168.4 (MANE Select); coding-DNA position 1277, A replaced by G.
Protein change: p.Asn426Ser; replaces asparagine 426 with serine.
Molecular consequence: missense variant.
Genome position (GRCh38, 1-based): chr5:236,444, A>G. VCF-style: chr5-236444-A-G. GRCh37 (hg19) VCF-style: chr5-236559-A-G.
Other names: c.1133A>G, p.Asn378Ser (NM_001294332.2); c.1277A>G, p.Asn426Ser (NM_001330758.2); short protein forms N426S, N378S.
Identifiers: ClinVar variation 412395 (VCV000412395.16), dbSNP rs1060503725, ClinGen allele CA16611963.
Genomic context (GRCh38, chr5:236,444, plus strand): 5'-GCATGGGCACCTTGACATTTCACCTGAAATCTTCCTTTCCACAGGTCCTGAGGCACGTGA[A>G]TGGCCAGGATCAGATTGTGCCCGGCCTGTACGCCTGTGGGGAGGCCGCCTGTGCCTCGGT-3'
Protein context (NP_004159.2, residues 416-436): NYKGQVLRHV[Asn426Ser]GQDQIVPGLY